The following is an entry in ClinVar:

ClinVar aggregate classification (germline): Uncertain significance (1 of 4 stars; one submission).

gnomAD v4.1: 1 of 1,613,030 alleles (0.000062%); highest among the groups gnomAD compares: Non-Finnish European, 0.000085%; no homozygotes.

Submission:

Dasa
Classification: Uncertain significance. Last evaluated: 2025-02-12. Review status: criteria provided, single submitter. Criteria: DASA Assertion Criteria. Collection method: clinical testing. Allele origin: germline.
Comment: NM_001320.7(CSNK2B):c.275G>A (p.Arg92His) is a missense variant that results in the substitution of arginine with histidine. The affected residue or protein region has prior evidence supporting clinical relevance. This variant is rare in population databases. The currently available literature and clinical evidence are not sufficient to establish a definitive association between this variant and the reported condition. Therefore, this variant is classified as a variant of uncertain significance.

NM_001320.7(CSNK2B):c.275G>A (p.Arg92His)

Gene: CSNK2B (casein kinase 2 beta; plus strand). Cytogenetic location: 6p21.33.
Variant type: single nucleotide variant.
Coding change: c.275G>A on transcript NM_001320.7 (MANE Select); coding-DNA position 275, G replaced by A.
Protein change: p.Arg92His; replaces arginine 92 with histidine.
Molecular consequence: missense variant.
Genome position (GRCh38, 1-based): chr6:31,668,638, G>A. VCF-style: chr6-31668638-G-A. GRCh37 (hg19) VCF-style: chr6-31636415-G-A.
Other names: c.275G>A, p.Arg92His (NM_001282385.2); short protein forms R92H.
Identifiers: ClinVar variation 4881144 (VCV004881144.2).